The following is an entry in ClinVar:

ClinVar aggregate classification (germline): Uncertain significance (1 of 4 stars; one submission).

Submission:

Labcorp Genetics (formerly Invitae), Labcorp
Classification: Uncertain significance. Last evaluated: 2023-05-10. Review status: criteria provided, single submitter. Criteria: Invitae Variant Classification Sherloc (09022015). Collection method: clinical testing. Allele origin: germline.
Comment: This variant has not been reported in the literature in individuals affected with CTNNA1-related conditions. This variant is not present in population databases (gnomAD no frequency). This sequence change falls in intron 4 of the CTNNA1 gene. It does not directly change the encoded amino acid sequence of the CTNNA1 protein. It affects a nucleotide within the consensus splice site. In summary, the available evidence is currently insufficient to determine the role of this variant in disease. Therefore, it has been classified as a Variant of Uncertain Significance. Variants that disrupt the consensus splice site are a relatively common cause of aberrant splicing (PMID: 17576681, 9536098). Algorithms developed to predict the effect of sequence changes on RNA splicing suggest that this variant may disrupt the consensus splice site.

Literature cited by the submitters: PubMed 17576681; PubMed 9536098.

NM_001903.5(CTNNA1):c.468+5G>A

Gene: CTNNA1 (catenin alpha 1; plus strand). Cytogenetic location: 5q31.2.
Variant type: single nucleotide variant.
Coding change: c.468+5G>A on transcript NM_001903.5 (MANE Select); 5 bases into the intron after coding-DNA position 468, G replaced by A.
Molecular consequence: intron variant.
Genome position (GRCh38, 1-based): chr5:138,810,209, G>A. VCF-style: chr5-138810209-G-A. GRCh37 (hg19) VCF-style: chr5-138145898-G-A.
Other names: c.468+5G>A (NM_001323982.2, NM_001323984.2, NM_001290307.3 and 3 more transcripts); c.99+5G>A (NM_001290310.3); c.159+5G>A (NM_001290309.3).
Identifiers: ClinVar variation 2836917 (VCV002836917.3), dbSNP rs2532331499, ClinGen allele CA2739275096.